The following is an entry in ClinVar:

NM_001128164.2(ATXN1):c.1635A>G (p.Pro545=)

Gene: ATXN1 (ataxin 1; minus strand). Cytogenetic location: 6p22.3.
Variant type: single nucleotide variant.
Coding change: c.1635A>G on transcript NM_001128164.2 (MANE Select); coding-DNA position 1635, A replaced by G.
Protein change: p.Pro545=; no amino-acid change (proline 545 retained).
Molecular consequence: synonymous variant. On other transcripts: 3 prime UTR variant (1).
Genome position (GRCh38, 1-based): chr6:16,326,676, T>C on the plus strand (A>G on the coding strand, the complement: ATXN1 is on the minus strand). VCF-style: chr6-16326676-T-C. GRCh37 (hg19) VCF-style: chr6-16326907-T-C.
Other names: c.1635A>G, p.Pro545= (NM_000332.4); c.*1048A>G (NM_001357857.2).
Identifiers: ClinVar variation 3032421 (VCV003032421.2), dbSNP rs771255360, ClinGen allele CA3645290.
Genomic context (GRCh38, chr6:16,326,676, plus strand): 5'-CGCCGCCGGGGAGGCCACGGACTGCACCACAGGCAGGTGGATCTGGGCCTGCACCATGGC[T>C]GGGTAGGCGGCCTGGGTGACCAGGGCCTCAGGGTTGAAGTTCTCGCTCTTGGGAAGGGCG-3'
Protein context (NP_001121636.1, residues 535-555): PEALVTQAAY[Pro545=]AMVQAQIHLP

ClinVar aggregate classification (germline): Likely benign (0 of 4 stars; one submission).

Conditions:
ATXN1-related disorder. Also called: ATXN1-related condition.

Allele frequency attached by ClinVar (database versions not stated): gnomAD exomes below 0.00001; ExAC 0.00001; TOPMed 0.00001.
gnomAD v4.1: 3 of 1,613,302 alleles (0.00019%); highest among the groups gnomAD compares: Non-Finnish European, 0.000085%; no homozygotes.

Submission:

PreventionGenetics, part of Exact Sciences
Classification: Likely benign for ATXN1-related condition. Last evaluated: 2022-04-01. Review status: no assertion criteria provided. Collection method: clinical testing. Allele origin: germline.
Comment: This variant is classified as likely benign based on ACMG/AMP sequence variant interpretation guidelines (Richards et al. 2015 PMID: 25741868, with internal and published modifications).